The following is an entry in ClinVar:

NM_014585.6(SLC40A1):c.388-3T>C

Gene: SLC40A1 (solute carrier family 40 member 1; minus strand). Cytogenetic location: 2q32.2.
Variant type: single nucleotide variant.
Coding change: c.388-3T>C on transcript NM_014585.6 (MANE Select); 3 bases into the intron before coding-DNA position 388, T replaced by C.
Molecular consequence: intron variant.
Genome position (GRCh38, 1-based): chr2:189,571,844, A>G on the plus strand (T>C on the coding strand, the complement: SLC40A1 is on the minus strand). VCF-style: chr2-189571844-A-G. GRCh37 (hg19) VCF-style: chr2-190436570-A-G.
Identifiers: ClinVar variation 3016771 (VCV003016771.3), dbSNP rs745434420, ClinGen allele CA2024231.

ClinVar aggregate classification (germline): Uncertain significance (1 of 4 stars; one submission).

Conditions:
Hemochromatosis type 4 (HFE4). Also called: Ferroportin disease; HEMOCHROMATOSIS DUE TO DEFECT IN FERROPORTIN; HEMOCHROMATOSIS, AUTOSOMAL DOMINANT. Identifiers: Orphanet 139491, Orphanet 647834, Orphanet 648562, MedGen C1853733, MONDO:0011631, OMIM 606069.

Allele frequency attached by ClinVar (database versions not stated): gnomAD exomes below 0.00001; ExAC 0.00001.
gnomAD v4.1: 1 of 1,592,528 alleles (0.000063%); highest among the groups gnomAD compares: Admixed American, 0.0017%; no homozygotes.

Submission:

Labcorp Genetics (formerly Invitae), Labcorp
Classification: Uncertain significance for Hemochromatosis type 4. Last evaluated: 2023-10-10. Review status: criteria provided, single submitter. Criteria: Invitae Variant Classification Sherloc (09022015). Collection method: clinical testing. Allele origin: germline.
Comment: This sequence change falls in intron 4 of the SLC40A1 gene. It does not directly change the encoded amino acid sequence of the SLC40A1 protein. It affects a nucleotide within the consensus splice site. This variant is present in population databases (rs745434420, gnomAD 0.003%). This variant has not been reported in the literature in individuals affected with SLC40A1-related conditions. Variants that disrupt the consensus splice site are a relatively common cause of aberrant splicing (PMID: 17576681, 9536098). Algorithms developed to predict the effect of sequence changes on RNA splicing suggest that this variant is not likely to affect RNA splicing. In summary, the available evidence is currently insufficient to determine the role of this variant in disease. Therefore, it has been classified as a Variant of Uncertain Significance.

Literature cited by the submitters: PubMed 17576681; PubMed 9536098.